The following is an entry in ClinVar:

NM_001458.5(FLNC):c.5459G>A (p.Gly1820Asp)

Genes: FLNC (filamin C; plus strand), FLNC-AS1 (FLNC antisense RNA 1; minus strand). Cytogenetic location: 7q32.1.
Variant type: single nucleotide variant.
Coding change: c.5459G>A on transcript NM_001458.5 (MANE Select); coding-DNA position 5459, G replaced by A.
Protein change: p.Gly1820Asp; replaces glycine 1820 with aspartic acid.
Molecular consequence: missense variant.
Genome position (GRCh38, 1-based): chr7:128,850,863, G>A. VCF-style: chr7-128850863-G-A. GRCh37 (hg19) VCF-style: chr7-128490917-G-A.
Other names: c.5360G>A, p.Gly1787Asp (NM_001127487.2); short protein forms G1820D, G1787D.
Identifiers: ClinVar variation 2953982 (VCV002953982.3), dbSNP rs2536654690, ClinGen allele CA369206742.

ClinVar aggregate classification (germline): Uncertain significance (1 of 4 stars; one submission).

Conditions:
Hypertrophic cardiomyopathy 26. Also called: Cardiomyopathy, familial hypertrophic, 26. Identifiers: Orphanet 75249, MedGen C4310749, MONDO:0014883, OMIM 617047.
Myofibrillar myopathy 5. Also called: Filaminopathy (type); FILAMINOPATHY, AUTOSOMAL DOMINANT. Identifiers: Orphanet 171445, MedGen C1836050, MONDO:0012289, OMIM 609524.
Distal myopathy with posterior leg and anterior hand involvement. Also called: WILLIAMS DISTAL MYOPATHY. Identifiers: Orphanet 63273, MedGen C3279722, MONDO:0013550, OMIM 614065.

Submission:

Labcorp Genetics (formerly Invitae), Labcorp
Classification: Uncertain significance for Distal myopathy with posterior leg and anterior hand involvement; Myofibrillar myopathy 5; Hypertrophic cardiomyopathy 26. Last evaluated: 2023-11-17. Review status: criteria provided, single submitter. Criteria: Invitae Variant Classification Sherloc (09022015). Collection method: clinical testing. Allele origin: germline.
Comment: This sequence change replaces glycine, which is neutral and non-polar, with aspartic acid, which is acidic and polar, at codon 1820 of the FLNC protein (p.Gly1820Asp). This variant is not present in population databases (gnomAD no frequency). This variant has not been reported in the literature in individuals affected with FLNC-related conditions. Advanced modeling of protein sequence and biophysical properties (such as structural, functional, and spatial information, amino acid conservation, physicochemical variation, residue mobility, and thermodynamic stability) has been performed at Invitae for this missense variant, however the output from this modeling did not meet the statistical confidence thresholds required to predict the impact of this variant on FLNC protein function. In summary, the available evidence is currently insufficient to determine the role of this variant in disease. Therefore, it has been classified as a Variant of Uncertain Significance.